The following is an entry in ClinVar:

NM_003998.4(NFKB1):c.1901T>C (p.Ile634Thr)

Gene: NFKB1 (nuclear factor kappa B subunit 1; plus strand). Cytogenetic location: 4q24.
Variant type: single nucleotide variant.
Coding change: c.1901T>C on transcript NM_003998.4 (MANE Select); coding-DNA position 1901, T replaced by C.
Protein change: p.Ile634Thr; replaces isoleucine 634 with threonine.
Molecular consequence: missense variant.
Genome position (GRCh38, 1-based): chr4:102,606,644, T>C. VCF-style: chr4-102606644-T-C. GRCh37 (hg19) VCF-style: chr4-103527801-T-C.
Other names: c.1898T>C, p.Ile633Thr (NM_001165412.2, NM_001319226.2, NM_001382627.1); c.1901T>C, p.Ile634Thr (NM_001382625.1, NM_001382626.1); c.1859T>C, p.Ile620Thr (NM_001382628.1); short protein forms I620T, I633T, I634T.
Identifiers: ClinVar variation 1391253 (VCV001391253.6), dbSNP rs569559369, ClinGen allele CA102686431.
Genomic context (GRCh38, chr4:102,606,644, plus strand): 5'-GCTTGGGTAACTCTGTTTTGCACCTAGCTGCCAAAGAAGGACATGATAAAGTTCTCAGTA[T>C]CTTACTCAAGCACAAAAAGGCAGCACTACTTCTTGACCACCCCAACGGGGACGGTAAGAG-3'
Protein context (NP_003989.2, residues 624-644): AKEGHDKVLS[Ile634Thr]LLKHKKAALL

ClinVar aggregate classification (germline): Uncertain significance (1 of 4 stars; one submission).

Allele frequency attached by ClinVar (database versions not stated): gnomAD exomes below 0.00001.

Submission:

Labcorp Genetics (formerly Invitae), Labcorp
Classification: Uncertain significance. Last evaluated: 2023-09-06. Review status: criteria provided, single submitter. Criteria: Invitae Variant Classification Sherloc (09022015). Collection method: clinical testing. Allele origin: germline.
Comment: In summary, the available evidence is currently insufficient to determine the role of this variant in disease. Therefore, it has been classified as a Variant of Uncertain Significance. Advanced modeling of protein sequence and biophysical properties (such as structural, functional, and spatial information, amino acid conservation, physicochemical variation, residue mobility, and thermodynamic stability) performed at Invitae indicates that this missense variant is not expected to disrupt NFKB1 protein function. This sequence change replaces isoleucine, which is neutral and non-polar, with threonine, which is neutral and polar, at codon 634 of the NFKB1 protein (p.Ile634Thr). This variant is present in population databases (rs569559369, gnomAD 0.0009%). This variant has not been reported in the literature in individuals affected with NFKB1-related conditions. ClinVar contains an entry for this variant (Variation ID: 1391253).